The following is an entry in ClinVar:

ClinVar aggregate classification (germline): Uncertain significance. Review status: criteria provided, multiple submitters, no conflicts (2 of 4 stars). 2 submissions from 2 submitters: Uncertain significance (2). Last evaluated 2025-07-31.

Allele frequency attached by ClinVar (database versions not stated): gnomAD exomes 0.00004; ExAC 0.00007; gnomAD 0.00009 and 0.00010; TOPMed 0.00012.
gnomAD v4.1: 32 of 1,614,012 alleles (0.002%); highest among the groups gnomAD compares: African/African-American, 0.039%; no homozygotes.

Submissions (2):

Labcorp Genetics (formerly Invitae), Labcorp
Classification: Uncertain significance. Last evaluated: 2025-07-31. Review status: criteria provided, single submitter. Criteria: Invitae Variant Classification Sherloc (09022015). Collection method: clinical testing. Allele origin: germline.
Comment: This sequence change replaces proline, which is neutral and non-polar, with threonine, which is neutral and polar, at codon 162 of the RP1L1 protein (p.Pro162Thr). This variant is present in population databases (rs776563038, gnomAD 0.05%). This variant has not been reported in the literature in individuals affected with RP1L1-related conditions. ClinVar contains an entry for this variant (Variation ID: 1514847). Invitae Evidence Modeling of protein sequence and biophysical properties (such as structural, functional, and spatial information, amino acid conservation, physicochemical variation, residue mobility, and thermodynamic stability) indicates that this missense variant is not expected to disrupt RP1L1 protein function with a negative predictive value of 80%. In summary, the available evidence is currently insufficient to determine the role of this variant in disease. Therefore, it has been classified as a Variant of Uncertain Significance.

Blueprint Genetics
Classification: Uncertain significance. Last evaluated: 2024-01-30. Review status: criteria provided, single submitter. Criteria: ACMG Guidelines, 2015. Collection method: clinical testing. Allele origin: germline.

NM_178857.6(RP1L1):c.484C>A (p.Pro162Thr)

Gene: RP1L1 (RP1 like 1). Cytogenetic location: 8p23.1.
Variant type: single nucleotide variant.
Coding change: c.484C>A on transcript NM_178857.6 (MANE Select); coding-DNA position 484, C replaced by A.
Protein change: p.Pro162Thr; replaces proline 162 with threonine.
Molecular consequence: missense variant.
Genome position (GRCh38, 1-based): chr8:10,622,718, G>T on the plus strand (C>A on the coding strand, the complement: RP1L1 is on the minus strand). VCF-style: chr8-10622718-G-T. GRCh37 (hg19) VCF-style: chr8-10480228-G-T.
Other names: short protein forms P162T.
Identifiers: ClinVar variation 1514847 (VCV001514847.7), dbSNP rs776563038, ClinGen allele CA4625680.